The following is an entry in ClinVar:

ClinVar aggregate classification (germline): Uncertain significance. Review status: criteria provided, multiple submitters, no conflicts (2 of 4 stars). 2 submissions from 2 submitters: Uncertain significance (2). Last evaluated 2026-01-16.

Conditions:
Hereditary cancer-predisposing syndrome. Also called: Tumor predisposition; Neoplastic Syndromes, Hereditary; Hereditary neoplastic syndrome; Hereditary Cancer Syndrome. Identifiers: Orphanet 140162, MedGen C0027672, MeSH D009386, MONDO:0015356.
Multiple endocrine neoplasia, type 2 (MEN2). Identifiers: Orphanet 653, MedGen C4048306, MONDO:0019003. Disease mechanism: gain of function.

Allele frequency attached by ClinVar (database versions not stated): TOPMed 0.00001.
gnomAD v4.1: 1 of 1,614,162 alleles (0.000062%); highest among the groups gnomAD compares: Non-Finnish European, 0.000085%; no homozygotes.

Submissions (2):

Labcorp Genetics (formerly Invitae), Labcorp
Classification: Uncertain significance for Multiple endocrine neoplasia, type 2. Last evaluated: 2026-01-16. Review status: criteria provided, single submitter. Criteria: Invitae Variant Classification Sherloc (09022015). Collection method: clinical testing. Allele origin: germline.
Comment: This sequence change replaces arginine, which is basic and polar, with leucine, which is neutral and non-polar, at codon 189 of the RET protein (p.Arg189Leu). This variant is present in population databases (no rsID available, gnomAD 0.0009%). This variant has not been reported in the literature in individuals affected with RET-related conditions. ClinVar contains an entry for this variant (Variation ID: 1019430). An algorithm developed to predict the effect of missense changes on protein structure and function (PolyPhen-2) suggests that this variant is likely to be disruptive. In summary, the available evidence is currently insufficient to determine the role of this variant in disease. Therefore, it has been classified as a Variant of Uncertain Significance.

Ambry Genetics
Classification: Uncertain significance for Hereditary cancer-predisposing syndrome. Last evaluated: 2025-04-07. Review status: criteria provided, single submitter. Criteria: Ambry Variant Classification Scheme 2023. Collection method: clinical testing. Allele origin: germline.
Comment: The p.R189L variant (also known as c.566G>T), located in coding exon 3 of the RET gene, results from a G to T substitution at nucleotide position 566. The arginine at codon 189 is replaced by leucine, an amino acid with dissimilar properties. This amino acid position is not well conserved in available vertebrate species. In addition, this alteration is predicted to be tolerated by in silico analysis. Since supporting evidence is limited at this time, the clinical significance of this alteration remains unclear.

NM_020975.6(RET):c.566G>T (p.Arg189Leu)

Gene: RET (ret proto-oncogene; plus strand). Cytogenetic location: 10q11.21.
Variant type: single nucleotide variant.
Coding change: c.566G>T on transcript NM_020975.6 (MANE Select); coding-DNA position 566, G replaced by T.
Protein change: p.Arg189Leu; replaces arginine 189 with leucine.
Molecular consequence: missense variant.
Genome position (GRCh38, 1-based): chr10:43,102,570, G>T. VCF-style: chr10-43102570-G-T. GRCh37 (hg19) VCF-style: chr10-43598018-G-T.
Other names: c.566G>T, p.Arg189Leu (NM_000323.2, NM_001406743.1, NM_001406744.1 and 16 more transcripts); c.437G>T, p.Arg146Leu (NM_001406761.1, NM_001406762.1, NM_001406764.1 and 4 more transcripts); short protein forms R189L, R146L.
Identifiers: ClinVar variation 1019430 (VCV001019430.12), dbSNP rs753707182, ClinGen allele CA376543519.